The following is an entry in ClinVar:

NM_152703.5(SAMD9L):c.2215C>A (p.Leu739Ile)

Gene: SAMD9L (sterile alpha motif domain containing 9 like; minus strand). Cytogenetic location: 7q21.2.
Variant type: single nucleotide variant.
Coding change: c.2215C>A on transcript NM_152703.5 (MANE Select); coding-DNA position 2215, C replaced by A.
Protein change: p.Leu739Ile; replaces leucine 739 with isoleucine.
Molecular consequence: missense variant.
Genome position (GRCh38, 1-based): chr7:93,133,757, G>T on the plus strand (C>A on the coding strand, the complement: SAMD9L is on the minus strand). VCF-style: chr7-93133757-G-T. GRCh37 (hg19) VCF-style: chr7-92763070-G-T.
Other names: c.2215C>A, p.Leu739Ile (NM_001303496.3, NM_001303497.3, NM_001303498.3 and 5 more transcripts); short protein forms L739I.
Identifiers: ClinVar variation 4630152 (VCV004630152.1).

ClinVar aggregate classification (germline): Uncertain significance (1 of 4 stars; one submission).

Conditions:
Inborn genetic diseases. Identifiers: MedGen C0950123, MeSH D030342.

Submission:

Ambry Genetics
Classification: Uncertain significance for Inborn genetic diseases. Last evaluated: 2025-11-30. Review status: criteria provided, single submitter. Criteria: Ambry Variant Classification Scheme 2023. Collection method: clinical testing. Allele origin: germline.
Comment: The p.L739I variant (also known as c.2215C>A), located in coding exon 1 of the SAMD9L gene, results from a C to A substitution at nucleotide position 2215. The leucine at codon 739 is replaced by isoleucine, an amino acid with highly similar properties. This amino acid position is conserved. In addition, this alteration is predicted to be tolerated by in silico analysis. Based on the available evidence, the clinical significance of this variant remains unclear.